The following is an entry in ClinVar:

ClinVar aggregate classification (germline): Uncertain significance (1 of 4 stars; one submission).

Submission:

Labcorp Genetics (formerly Invitae), Labcorp
Classification: Uncertain significance. Last evaluated: 2021-12-10. Review status: criteria provided, single submitter. Criteria: Invitae Variant Classification Sherloc (09022015). Collection method: clinical testing. Allele origin: germline.
Comment: In summary, the available evidence is currently insufficient to determine the role of this variant in disease. Therefore, it has been classified as a Variant of Uncertain Significance. Algorithms developed to predict the effect of missense changes on protein structure and function are either unavailable or do not agree on the potential impact of this missense change (SIFT: "Tolerated"; PolyPhen-2: "Possibly Damaging"; Align-GVGD: "Class C0"). This variant has not been reported in the literature in individuals affected with MCM3AP-related conditions. This variant is present in population databases (rs141657571, gnomAD 0.0009%). This sequence change replaces aspartic acid, which is acidic and polar, with histidine, which is basic and polar, at codon 1539 of the MCM3AP protein (p.Asp1539His).

NM_003906.5(MCM3AP):c.4615G>C (p.Asp1539His)

Genes: MCM3AP (minichromosome maintenance complex component 3 associated protein; minus strand), MCM3AP-AS1 (MCM3AP antisense RNA 1; plus strand). Cytogenetic location: 21q22.3.
Variant type: single nucleotide variant.
Coding change: c.4615G>C on transcript NM_003906.5 (MANE Select); coding-DNA position 4615, G replaced by C.
Protein change: p.Asp1539His; replaces aspartic acid 1539 with histidine.
Molecular consequence: missense variant.
Genome position (GRCh38, 1-based): chr21:46,246,339, C>G on the plus strand (G>C on the coding strand, the complement: MCM3AP is on the minus strand). VCF-style: chr21-46246339-C-G. GRCh37 (hg19) VCF-style: chr21-47666253-C-G.
Other names: short protein forms D1539H.
Identifiers: ClinVar variation 1463401 (VCV001463401.6), dbSNP rs141657571, ClinGen allele CA10076071.